The following is an entry in ClinVar:

ClinVar aggregate classification (germline): Uncertain significance. Review status: criteria provided, multiple submitters, no conflicts (2 of 4 stars). 2 submissions from 2 submitters: Uncertain significance (2). Last evaluated 2025-09-07.

Conditions:
Familial hypobetalipoproteinemia 1. Also called: APOB-Related Familial Hypobetalipoproteinemia; Hypobetalipoproteinemia, normotriglyceridemic; Acanthocytosis with hypobetalipoproteinemia. Identifiers: MedGen C4551990, MONDO:0014252, OMIM 615558.
Hypercholesterolemia, autosomal dominant, type B (FHCL2). Also called: Familial Hypercholesterolemia Type B; APOLIPOPROTEIN B-100, FAMILIAL DEFECTIVE; APOLIPOPROTEIN B-100, FAMILIAL LIGAND-DEFECTIVE; APOB-Related Familial Hypercholesterolemia, Autosomal Dominant; Familial hypercholesterolemia 2; Hyperlipoproteinemia Type IIb. Identifiers: MedGen C1704417, MONDO:0007751, OMIM 144010.
Familial hypercholesterolemia. Also called: Familial hypercholesterolemias; Familial hypercholesterolaemia. Identifiers: MedGen C0020445, MONDO:0005439.

Submissions (2):

Labcorp Genetics (formerly Invitae), Labcorp
Classification: Uncertain significance for Familial hypobetalipoproteinemia 1; Hypercholesterolemia, autosomal dominant, type B. Last evaluated: 2025-09-07. Review status: criteria provided, single submitter. Criteria: Invitae Variant Classification Sherloc (09022015). Collection method: clinical testing. Allele origin: germline.
Comment: This sequence change replaces glycine, which is neutral and non-polar, with serine, which is neutral and polar, at codon 3383 of the APOB protein (p.Gly3383Ser). This variant is not present in population databases (gnomAD no frequency). This variant has not been reported in the literature in individuals affected with APOB-related conditions. ClinVar contains an entry for this variant (Variation ID: 979093). Invitae Evidence Modeling of protein sequence and biophysical properties (such as structural, functional, and spatial information, amino acid conservation, physicochemical variation, residue mobility, and thermodynamic stability) indicates that this missense variant is not expected to disrupt APOB protein function with a negative predictive value of 95%. In summary, the available evidence is currently insufficient to determine the role of this variant in disease. Therefore, it has been classified as a Variant of Uncertain Significance.

Human Genome Sequencing Center Clinical Lab, Baylor College of Medicine
Classification: Uncertain significance for Familial hypercholesterolemia. Review status: criteria provided, single submitter. Criteria: ACMG Guidelines, 2015. Collection method: clinical testing. Allele origin: germline.

NM_000384.3(APOB):c.10147G>A (p.Gly3383Ser)

Gene: APOB (apolipoprotein B; minus strand). Cytogenetic location: 2p24.1.
Variant type: single nucleotide variant.
Coding change: c.10147G>A on transcript NM_000384.3 (MANE Select); coding-DNA position 10147, G replaced by A.
Protein change: p.Gly3383Ser; replaces glycine 3383 with serine.
Molecular consequence: missense variant.
Genome position (GRCh38, 1-based): chr2:21,006,721, C>T on the plus strand (G>A on the coding strand, the complement: APOB is on the minus strand). VCF-style: chr2-21006721-C-T. GRCh37 (hg19) VCF-style: chr2-21229593-C-T.
Other names: short protein forms G3383S.
Identifiers: ClinVar variation 979093 (VCV000979093.2), dbSNP rs1663152041, ClinGen allele CA345987330.